The following is an entry in ClinVar:

NM_006295.3(VARS1):c.3575A>G (p.Gln1192Arg)

Gene: VARS1 (valyl-tRNA synthetase 1; minus strand). Cytogenetic location: 6p21.33.
Variant type: single nucleotide variant.
Coding change: c.3575A>G on transcript NM_006295.3 (MANE Select); coding-DNA position 3575, A replaced by G.
Protein change: p.Gln1192Arg; replaces glutamine 1192 with arginine.
Molecular consequence: missense variant.
Genome position (GRCh38, 1-based): chr6:31,779,118, T>C on the plus strand (A>G on the coding strand, the complement: VARS1 is on the minus strand). VCF-style: chr6-31779118-T-C. GRCh37 (hg19) VCF-style: chr6-31746895-T-C.
Other names: short protein forms Q1192R.
Identifiers: ClinVar variation 2548505 (VCV002548505.3), dbSNP rs2537583742, ClinGen allele CA363430447.
Genomic context (GRCh38, chr6:31,779,118, plus strand): 5'-TGGGCCTCAACTCGCTTGGCTTGCAGCTTGCCCAGCTCCCGTGCAGGGTCCACCAGCCCC[T>C]GAAGCTGCAGGTGGATGGAGCAGCGATCAGAAGCCAGAGCCACAGCGCAACCCTGGGGGG-3'
Protein context (NP_006286.1, residues 1182-1202): SDRCSIHLQL[Gln1192Arg]GLVDPARELG

ClinVar aggregate classification (germline): Uncertain significance. Review status: criteria provided, multiple submitters, no conflicts (2 of 4 stars). 2 submissions from 2 submitters: Uncertain significance (2). Last evaluated 2023-05-18.

Conditions:
Neurodevelopmental disorder with microcephaly, seizures, and cortical atrophy. Identifiers: MedGen C4540493, MONDO:0060621, OMIM 617802.
Inborn genetic diseases. Identifiers: MedGen C0950123, MeSH D030342.

Submissions (2):

Ambry Genetics
Classification: Uncertain significance for Inborn genetic diseases. Last evaluated: 2023-05-18. Review status: criteria provided, single submitter. Criteria: Ambry Variant Classification Scheme 2023. Collection method: clinical testing. Allele origin: germline.

Neuberg Centre For Genomic Medicine, NCGM
Classification: Uncertain significance for Neurodevelopmental disorder with microcephaly, seizures, and cortical atrophy. Review status: criteria provided, single submitter. Criteria: ACMG Guidelines, 2015. Collection method: clinical testing. Allele origin: germline. Inheritance: Autosomal dominant inheritance. Affected: yes.
Comment: The missense c.3575A>G (p.Gln1192Arg) variant in the VARS1 gene has not been reported previously as a pathogenic variant nor as a benign variant, to our knowledge. The variant is absent in gnomAD Exomes. This variant has been reported to the ClinVar database as Uncertain Significance. However, no details are available for independent assessment. The amino acid Glutamine at position 1192 is changed to a Arginine changing protein sequence and it might alter its composition and physico-chemical properties. Multiple lines of computational evidence (Polyphen - Benign, SIFT - Tolerated and MutationTaster - Polymorphism) predict no damaging effect on protein structure and function for this variantThe amino acid Glutamine in VARS1 is predicted as conserved by GERP++ and PhyloP across 100 vertebrates. For these reasons, this variant has been classified as Uncertain Significance.